The following is an entry in ClinVar:

NM_022124.6(CDH23):c.7889C>T (p.Ser2630Phe)

Gene: CDH23 (cadherin related 23; plus strand). Cytogenetic location: 10q22.1.
Variant type: single nucleotide variant.
Coding change: c.7889C>T on transcript NM_022124.6 (MANE Select); coding-DNA position 7889, C replaced by T.
Protein change: p.Ser2630Phe; replaces serine 2630 with phenylalanine.
Molecular consequence: missense variant.
Genome position (GRCh38, 1-based): chr10:71,805,822, C>T. VCF-style: chr10-71805822-C-T. GRCh37 (hg19) VCF-style: chr10-73565579-C-T.
Other names: c.1169C>T, p.Ser390Phe (NM_001171933.1, NM_001171934.1); short protein forms S2630F, S390F.
Identifiers: ClinVar variation 3573492 (VCV003573492.1).

ClinVar aggregate classification (germline): Uncertain significance (1 of 4 stars; one submission).

Submission:

GeneDx
Classification: Uncertain significance. Last evaluated: 2024-07-16. Review status: criteria provided, single submitter. Criteria: GeneDx Variant Classification Process June 2021. Collection method: clinical testing. Allele origin: germline. Affected: yes.
Comment: Identified in a patient with sensorineural hearing loss in published literature (PMID: 34515852); Not observed at significant frequency in large population cohorts (gnomAD); In silico analysis supports that this missense variant has a deleterious effect on protein structure/function; This variant is associated with the following publications: (PMID: 34515852)